The following is an entry in ClinVar:

NM_145200.5(CABP4):c.*1857T>C

Gene: CABP4 (calcium binding protein 4; plus strand). Cytogenetic location: 11q13.2.
Variant type: single nucleotide variant.
Coding change: c.*1857T>C on transcript NM_145200.5 (MANE Select); 1857 bases downstream of the stop codon, T replaced by C.
Molecular consequence: 3 prime UTR variant. On other transcripts: non-coding transcript variant (1).
Genome position (GRCh38, 1-based): chr11:67,460,516, T>C. VCF-style: chr11-67460516-T-C. GRCh37 (hg19) VCF-style: chr11-67227987-T-C.
Other names: c.*1857T>C (NM_001300895.3, NM_001300896.3, NM_001379183.1).
Identifiers: ClinVar variation 305691 (VCV000305691.5), dbSNP rs11227798, ClinGen allele CA10631358.

ClinVar aggregate classification (germline): Benign (1 of 4 stars; one submission).

Conditions:
Cone-rod synaptic disorder, congenital nonprogressive. Also called: NIGHT BLINDNESS, CONGENITAL STATIONARY, INCOMPLETE, AUTOSOMAL RECESSIVE. Identifiers: Orphanet 215, MedGen C4041558, MONDO:0012490, OMIM 610427.

Allele frequency attached by ClinVar (database versions not stated): gnomAD 0.12425 and 0.12503.
gnomAD v4.1: 18,592 of 149,450 alleles (12%); highest among the groups gnomAD compares: Non-Finnish European, 14%; 1,141 homozygotes.

Submission:

Illumina Laboratory Services, Illumina
Classification: Benign for Cone-rod synaptic disorder, congenital nonprogressive. Last evaluated: 2018-01-13. Review status: criteria provided, single submitter. Criteria: ICSL Variant Classification Criteria 13 December 2019. Collection method: clinical testing. Allele origin: germline.
Comment: This variant was observed in the ICSL laboratory as part of a predisposition screen in an ostensibly healthy population. It had not been previously curated by ICSL or reported in the Human Gene Mutation Database (HGMD: prior to June 1st, 2018), and was therefore a candidate for classification through an automated scoring system. Utilizing variant allele frequency, disease prevalence and penetrance estimates, and inheritance mode, an automated score was calculated to assess if this variant is too frequent to cause the disease. Based on the score and internal cut-off values, a variant classified as benign is not then subjected to further curation. The score for this variant resulted in a classification of benign for this disease.